The following is an entry in ClinVar:

NM_006031.6(PCNT):c.5994+8C>T

Gene: PCNT (pericentrin; plus strand). Cytogenetic location: 21q22.3.
Variant type: single nucleotide variant.
Coding change: c.5994+8C>T on transcript NM_006031.6 (MANE Select); 8 bases into the intron after coding-DNA position 5994, C replaced by T.
Molecular consequence: intron variant.
Genome position (GRCh38, 1-based): chr21:46,412,075, C>T. VCF-style: chr21-46412075-C-T. GRCh37 (hg19) VCF-style: chr21-47831989-C-T.
Other names: c.5640+8C>T (NM_001315529.2); c.5994+8C>T (NM_006031.5).
Identifiers: ClinVar variation 2420174 (VCV002420174.7), dbSNP rs2518773476, ClinGen allele CA2580099046.

ClinVar aggregate classification (germline): Likely benign. Review status: criteria provided, single submitter (1 of 4 stars). 2 submissions from 2 submitters: Likely benign (1). 1 of the submissions does not count toward it. Last evaluated 2022-12-16.

Conditions:
PCNT-related disorder. Also called: PCNT-related condition.

Allele frequency attached by ClinVar (database versions not stated): gnomAD exomes below 0.00001.
gnomAD v4.1: 2 of 1,604,430 alleles (0.00012%); highest among the groups gnomAD compares: East Asian, 0.0022%; no homozygotes.

Submissions (2):

Labcorp Genetics (formerly Invitae), Labcorp
Classification: Likely benign. Last evaluated: 2022-12-16. Review status: criteria provided, single submitter. Criteria: Invitae Variant Classification Sherloc (09022015). Collection method: clinical testing. Allele origin: germline.

PreventionGenetics, part of Exact Sciences
Classification: Likely benign for PCNT-related condition. Last evaluated: 2021-12-08. Review status: no assertion criteria provided. Collection method: clinical testing. Allele origin: germline. Not counted in ClinVar's aggregate classification.
Comment: This variant is classified as likely benign based on ACMG/AMP sequence variant interpretation guidelines (Richards et al. 2015 PMID: 25741868, with internal and published modifications).